The following is an entry in ClinVar:

NM_001287491.2(TET3):c.789G>C (p.Ala263=)

Gene: TET3 (tet methylcytosine dioxygenase 3; plus strand). Cytogenetic location: 2p13.1.
Variant type: single nucleotide variant.
Coding change: c.789G>C on transcript NM_001287491.2 (MANE Select); coding-DNA position 789, G replaced by C.
Protein change: p.Ala263=; no amino-acid change (alanine 263 retained).
Molecular consequence: synonymous variant.
Genome position (GRCh38, 1-based): chr2:74,046,706, G>C. VCF-style: chr2-74046706-G-C. GRCh37 (hg19) VCF-style: chr2-74273833-G-C.
Other names: c.510G>C, p.Ala170= (NM_001366022.1).
Identifiers: ClinVar variation 1301874 (VCV001301874.1), dbSNP rs369169586, ClinGen allele CA427027721.

ClinVar aggregate classification (germline): Uncertain significance (1 of 4 stars; one submission).

Conditions:
TET3-related disorder. Also called: TET3-related condition; TET3-Related Disease.

Submission:

Rady Children's Institute for Genomic Medicine, Rady Children's Hospital San Diego
Classification: Uncertain significance for TET3-Related Disease. Review status: criteria provided, single submitter. Criteria: ACMG Guidelines, 2015. Collection method: clinical testing. Allele origin: germline. Affected: yes. Study: CSER-NYCKidSeq.
Comment: This variant has not been previously reported or functionally characterized in the literature to our knowledge. It is present in the heterozygous state in the gnomAD population database at a frequency of 0.0008% (2/249268) and thus is presumed to be rare. In silico tools used to predict the effect of this variant on protein function yield discordant results. Based on the available evidence, the c.789G>C (p.Gln263His) variant is classified as Variant of Uncertain Significance.